The following is an entry in ClinVar:

ClinVar aggregate classification (germline): Likely benign. Review status: criteria provided, multiple submitters, no conflicts (2 of 4 stars). 2 submissions from 2 submitters: Likely benign (2). Last evaluated 2024-10-01.

Conditions:
Mucolipidosis type IV (ML4). Also called: ML IV. Identifiers: Orphanet 578, MedGen C0238286, MONDO:0009653, OMIM 252650.

gnomAD v4.1: 16 of 1,591,318 alleles (0.001%); highest among the groups gnomAD compares: African/African-American, 0.0067%; no homozygotes.

Submissions (2):

CeGaT Center for Human Genetics Tuebingen
Classification: Likely benign. Last evaluated: 2024-10-01. Review status: criteria provided, single submitter. Criteria: CeGaT Center For Human Genetics Tuebingen Variant Classification Criteria Version 2. Collection method: clinical testing. Allele origin: germline. Affected: yes. Observed: 1 variant allele.
Comment: MCOLN1: BP4, BP7

Labcorp Genetics (formerly Invitae), Labcorp
Classification: Likely benign for Mucolipidosis type IV. Last evaluated: 2023-11-28. Review status: criteria provided, single submitter. Criteria: Invitae Variant Classification Sherloc (09022015). Collection method: clinical testing. Allele origin: germline.

NM_020533.3(MCOLN1):c.598C>A (p.Arg200=)

Gene: MCOLN1 (mucolipin TRP cation channel 1; plus strand). Cytogenetic location: 19p13.2.
Variant type: single nucleotide variant.
Coding change: c.598C>A on transcript NM_020533.3 (MANE Select); coding-DNA position 598, C replaced by A.
Protein change: p.Arg200=; no amino-acid change (arginine 200 retained).
Molecular consequence: synonymous variant.
Genome position (GRCh38, 1-based): chr19:7,527,546, C>A. VCF-style: chr19-7527546-C-A. GRCh37 (hg19) VCF-style: chr19-7592432-C-A.
Identifiers: ClinVar variation 2144926 (VCV002144926.18), dbSNP rs745435577, ClinGen allele CA9138798.